The following is an entry in ClinVar:

NM_004990.4(MARS1):c.2132T>C (p.Ile711Thr)

Gene: MARS1 (methionyl-tRNA synthetase 1; plus strand). Cytogenetic location: 12q13.3.
Variant type: single nucleotide variant.
Coding change: c.2132T>C on transcript NM_004990.4 (MANE Select); coding-DNA position 2132, T replaced by C.
Protein change: p.Ile711Thr; replaces isoleucine 711 with threonine.
Molecular consequence: missense variant.
Genome position (GRCh38, 1-based): chr12:57,514,986, T>C. VCF-style: chr12-57514986-T-C. GRCh37 (hg19) VCF-style: chr12-57908769-T-C.
Other names: short protein forms I711T.
Identifiers: ClinVar variation 618204 (VCV000618204.13), dbSNP rs1051420158, ClinGen allele CA237772323.

ClinVar aggregate classification (germline): Uncertain significance. Review status: criteria provided, multiple submitters, no conflicts (2 of 4 stars). 3 submissions from 3 submitters: Uncertain significance (3). Last evaluated 2023-10-24.

Conditions:
Charcot-Marie-Tooth disease axonal type 2U. Also called: CHARCOT-MARIE-TOOTH NEUROPATHY, TYPE 2U; CHARCOT-MARIE-TOOTH DISEASE, AXONAL, AUTOSOMAL DOMINANT, TYPE 2U. Identifiers: Orphanet 397735, MedGen C4084821, MONDO:0014566, OMIM 616280.
Severe early-onset pulmonary alveolar proteinosis due to MARS deficiency. Also called: PULMONARY ALVEOLAR PROTEINOSIS, REUNION ISLAND; Interstitial lung and liver disease. Identifiers: Orphanet 440427, MedGen C4225400, MONDO:0014206, OMIM 615486.

Allele frequency attached by ClinVar (database versions not stated): gnomAD exomes below 0.00001; TOPMed below 0.00001; gnomAD 0.00001.
gnomAD v4.1: 4 of 1,614,066 alleles (0.00025%); highest among the groups gnomAD compares: African/African-American, 0.004%; no homozygotes.

Submissions (3):

Labcorp Genetics (formerly Invitae), Labcorp
Classification: Uncertain significance for Charcot-Marie-Tooth disease axonal type 2U; Severe early-onset pulmonary alveolar proteinosis due to MARS deficiency. Last evaluated: 2023-10-24. Review status: criteria provided, single submitter. Criteria: Invitae Variant Classification Sherloc (09022015). Collection method: clinical testing. Allele origin: germline.
Comment: This sequence change replaces isoleucine, which is neutral and non-polar, with threonine, which is neutral and polar, at codon 711 of the MARS protein (p.Ile711Thr). This variant is present in population databases (no rsID available, gnomAD 0.01%). This variant has not been reported in the literature in individuals affected with MARS-related conditions. ClinVar contains an entry for this variant (Variation ID: 618204). An algorithm developed to predict the effect of missense changes on protein structure and function (PolyPhen-2) suggests that this variant is likely to be disruptive. In summary, the available evidence is currently insufficient to determine the role of this variant in disease. Therefore, it has been classified as a Variant of Uncertain Significance.

Ambry Genetics
Classification: Uncertain significance. Last evaluated: 2022-12-28. Review status: criteria provided, single submitter. Criteria: Ambry Variant Classification Scheme 2023. Collection method: clinical testing. Allele origin: germline.

ARUP Laboratories, Molecular Genetics and Genomics, ARUP Laboratories
Classification: Uncertain significance. Last evaluated: 2018-01-18. Review status: criteria provided, single submitter. Criteria: ARUP Molecular Germline Variant Investigation Process. Collection method: clinical testing. Allele origin: germline.
Comment: The p.Ile711Thr variant has not been reported in the medical literature, gene specific variation databases, nor has it been previously identified by our laboratory. This variant is listed in the Genome Aggregation Database (gnomAD) identified on a single chromosome out of 30,972. The isoleucine at position 711 is highly conserved up to fruitfly considering 12 species (Alamut v2.10) and computational analyses of the effects of the p.Ile711Thr variant on protein structure and function provide conflicting results (SIFT: damaging, MutationTaster: disease causing, PolyPhen-2: benign). Altogether, there is not enough evidence to classify the p.Ile711Thr variant with certainty.